The following is an entry in ClinVar:

NM_012199.5(AGO1):c.2135G>A (p.Arg712His)

Gene: AGO1 (argonaute RISC component 1; plus strand). Cytogenetic location: 1p34.3.
Variant type: single nucleotide variant.
Coding change: c.2135G>A on transcript NM_012199.5 (MANE Select); coding-DNA position 2135, G replaced by A.
Protein change: p.Arg712His; replaces arginine 712 with histidine.
Molecular consequence: missense variant.
Genome position (GRCh38, 1-based): chr1:35,917,699, G>A. VCF-style: chr1-35917699-G-A. GRCh37 (hg19) VCF-style: chr1-36383300-G-A.
Other names: c.2135G>A, p.Arg712His (NM_001317122.2); c.1910G>A, p.Arg637His (NM_001317123.2); short protein forms R637H, R712H.
Identifiers: ClinVar variation 2504238 (VCV002504238.1), dbSNP rs2523930432, ClinGen allele CA339361161.
Genomic context (GRCh38, chr1:35,917,699, plus strand): 5'-TGGAAAAGGACTACCAGCCTGGGATCACTTATATTGTGGTGCAGAAACGCCATCACACCC[G>A]CCTTTTCTGTGCTGACAAGAATGAGCGAGTGAGTGAGGGACTGAGGCCTCCCATCCCCTC-3'
Protein context (NP_036331.1, residues 702-722): YIVVQKRHHT[Arg712His]LFCADKNERI

ClinVar aggregate classification (germline): Uncertain significance (1 of 4 stars; one submission).

Submission:

GeneDx
Classification: Uncertain significance. Last evaluated: 2022-12-03. Review status: criteria provided, single submitter. Criteria: GeneDx Variant Classification Process June 2021. Collection method: clinical testing. Allele origin: germline. Affected: yes.
Comment: Not observed at significant frequency in large population cohorts (gnomAD); In silico analysis supports that this missense variant has a deleterious effect on protein structure/function; Has not been previously published as pathogenic or benign to our knowledge